The following is an entry in ClinVar:

ClinVar aggregate classification (germline): Conflicting classifications of pathogenicity; other. Review status: criteria provided, conflicting classifications (1 of 4 stars). 29 submissions from 24 submitters: Pathogenic (2); Likely pathogenic (1); Uncertain significance (10); Benign (2); Likely benign (2). 11 of the submissions do not count toward it. Last evaluated 2026-10-01.

Conditions:
Albinism or congenital nystagmus.
TYR-related disorder. Also called: TYR-related condition.
Autosomal recessive ocular albinism. Identifiers: MedGen C0268503, MONDO:0040653.
Choroidal neovascularization. Identifiers: MedGen C0600518, MONDO:0810000, HP:0011506.
Elevated circulating hepatic transaminase concentration. Also called: Elevated hepatic transaminase; Elevated hepatic transaminases. Identifiers: MedGen C0235996, HP:0002910.
Abnormality of metabolism/homeostasis. Identifiers: MedGen C4021768, HP:0001939.
Foveal hypoplasia. Also called: Hypoplasia of the fovea. Identifiers: MedGen C2673946, MONDO:0044203, HP:0007750.
Albinism. Identifiers: MedGen C0001916, MONDO:0043209, HP:0001022.
Slow decrease in visual acuity. Identifiers: MedGen C1853141, HP:0007924.
Pigmentary skin disorders.
Temperature-sensitive oculocutaneous albinism type 1. Also called: ALBINISM, OCULOCUTANEOUS, TYPE I, TEMPERATURE-SENSITIVE. Identifiers: Orphanet 352737, MedGen C1847132, MONDO:0018137.
Oculocutaneous albinism type 1. Also called: Albinism 1; ALBINISM I. Identifiers: Orphanet 352731, MedGen C0268494, MONDO:0018135. Disease mechanism: loss of function.
Melanoma, cutaneous malignant, susceptibility to, 8. Also called: Cutaneous malignant melanoma 8; MELANOMA AND RENAL CELL CARCINOMA, SUSCEPTIBILITY TO. Identifiers: Orphanet 293822, MedGen C3152204, MONDO:0013759, OMIM 614456.
Skin/hair/eye pigmentation 3, blue/green eyes. Identifiers: MedGen C3149136.
Oculocutaneous albinism type 1B (OCA1B). Also called: ALBINISM, OCULOCUTANEOUS, TYPE IB; ALBINISM, YELLOW MUTANT TYPE; YELLOW ALBINISM. Identifiers: Orphanet 352731, Orphanet 352737, Orphanet 79434, MedGen C1847024, MONDO:0011749, OMIM 606952.
SKIN/HAIR/EYE PIGMENTATION 3, LIGHT/DARK SKIN (SHEP3). Also called: SKIN/HAIR/EYE PIGMENTATION 3, BLUE/GREEN EYE COLOR; SKIN/HAIR/EYE PIGMENTATION 3, FRECKLING; EYE COLOR 1; EYE COLOR, GREEN/BLUE; SKIN/HAIR/EYE PIGMENTATION, VARIATION IN, 3. Identifiers: MedGen C2677190, OMIM 601800.
Oculocutaneous albinism type 1A (OCA1A). Also called: Albinism, oculocutaneous, type IA. Identifiers: Orphanet 352731, Orphanet 79431, MedGen C4551504, MONDO:0008745, OMIM 203100. Disease mechanism: loss of function.
Malignant tumor of breast. Also called: Malignant breast neoplasm; Cancer breast. Identifiers: MedGen C0006142, MONDO:0007254. Disease mechanism: loss of function.

Allele frequency attached by ClinVar (database versions not stated): gnomAD exomes 0.17644 and 0.25429; 1000 Genomes Project 0.08127; 1000 Genomes Project 30x 0.08198; ExAC 0.17697; gnomAD 0.17677 and 0.18094; TOPMed 0.17249.
gnomAD v4.1: 397,086 of 1,610,930 alleles (25%); highest among the groups gnomAD compares: Non-Finnish European, 29%; 56,368 homozygotes.

Submissions 1 to 11 of 29:

CeGaT Center for Human Genetics Tuebingen
Classification: Benign. Last evaluated: 2026-10-01. Review status: criteria provided, single submitter. Criteria: CeGaT Center For Human Genetics Tuebingen Variant Classification Criteria Version 2. Collection method: clinical testing. Allele origin: germline. Affected: yes. Observed: 79 variant alleles.
Comment: TYR: PM5, BP4, BS1, BS2

Genetics Laboratory, Great Ormond Street Hospital NHS Foundation Trust, North Thames Genomic Laboratory Hub
Classification: Uncertain significance for Pigmentary skin disorders. Last evaluated: 2026-09-21. Review status: criteria provided, single submitter. Criteria: ACGS Best Practice Guidelines for Variant Classification in Rare Disease 2024 v1.2. Collection method: clinical testing. Allele origin: germline. Affected: yes.
Comment: PS4_moderate, PS3_strong, PP1_strong, PM3_strong

Labcorp Genetics (formerly Invitae), Labcorp
Classification: Benign. Last evaluated: 2026-02-04. Review status: criteria provided, single submitter. Criteria: Invitae Variant Classification Sherloc (09022015). Collection method: clinical testing. Allele origin: germline.

3billion
Classification: Uncertain significance for TYR-related disorder. Last evaluated: 2026-01-29. Review status: criteria provided, single submitter. Criteria: ACMG Guidelines, 2015. Collection method: clinical testing. Allele origin: germline. Affected: yes.
Comment: The variant is observed commonly at ~25.37% in the gnomAD v4.0.0 dataset. Predicted Consequence/Location: Missense variant In silico tool predictions suggest damaging effect of the variant on gene or gene product [REVEL: 0.69 (>=0.6, sensitivity 0.68 and specificity 0.92)]. The same nucleotide change resulting in the same amino acid change has been previously reported to be associated with TYR-related disorder with strong evidence (ClinVar ID: VCV000003779). Different missense changes at the same codon (p.Arg402Glu, p.Arg402Gly, p.Arg402Leu) have been reported to be associated with TYR-related disorder (PMID: 15146472, 19865097, 36460718). However the evidence of pathogenicity is insufficient at this time. Therefore, this variant is classified as VUS according to the recommendation of ACMG/AMP guideline.

Undiagnosed Diseases Network, NIH
Classification: Uncertain significance for Oculocutaneous albinism type 1A. Last evaluated: 2025-10-06. Review status: criteria provided, single submitter. Criteria: ACMG Guidelines, 2015. Collection method: clinical testing. Allele origin: maternal. Affected: yes. Observed: 1 variant allele, 1 compound heterozygote. Study: Undiagnosed Diseases Network (NIH), UDN.

Greenwood Genetic Center Diagnostic Laboratories, Greenwood Genetic Center
Classification: Uncertain significance. Last evaluated: 2025-04-28. Review status: criteria provided, single submitter. Criteria: ACMG Guidelines, 2015. Collection method: clinical testing. Allele origin: germline. Affected: yes.
Comment: PS3, PP5, PM3

Laboratory of Genetics, Children's Clinical University Hospital Latvia
Classification: Pathogenic. Last evaluated: 2025-02-16. Review status: criteria provided, single submitter. Criteria: ACMG Guidelines, 2015. Collection method: clinical testing. Allele origin: germline. Affected: yes.

NHS Central & South Genomic Laboratory Hub
Classification: Uncertain significance for Albinism or congenital nystagmus. Last evaluated: 2024-07-01. Review status: criteria provided, single submitter. Criteria: ACMG Guidelines, 2015. Collection method: clinical testing. Allele origin: germline. Affected: yes.

Women's Health and Genetics/Laboratory Corporation of America, LabCorp
Classification: Likely benign. Last evaluated: 2023-02-08. Review status: criteria provided, single submitter. Criteria: LabCorp Variant Classification Summary - May 2015. Collection method: clinical testing. Allele origin: germline.
Comment: Variant summary: TYR c.1205G>A (p.Arg402Gln) results in a conservative amino acid change located in the Tyrosinase copper-binding domain (IPR002227) of the encoded protein sequence. Four of five in-silico tools predict a benign effect of the variant on protein function. The variant allele was found at a frequency of 0.18 in 250300 control chromosomes in the gnomAD database, including 5281 presumably unaffected homozygotes. The observed variant frequency is approximately 32 fold of the estimated maximal expected allele frequency for a pathogenic variant in TYR causing Oculocutaneous Albinism phenotype (0.0056), strongly suggesting that the variant is benign. Although widely reported in the literature due to its high population frequency, to our knowledge, no penetrant association of c.1205G>A in individuals affected with inherited autosomal recessive Oculocutaneous Albinism have been confirmed. There is evidence suggesting that c.1205G>A is acting as a hypomorphic variant, causing a mild form of albinism when in compound heterozygous state with a complete loss-of-function TYR change (example, Monferme_2019 cited in Michaud_2022). Homozygosity for a haplotype formed by three common, functionally-relevant variants, TYR c.[301C;575C>A;1205G>A], is associated with a high probability of receiving an albinism diagnosis (OR>82), although the 95% CI overlaps 1 (Michaud_2022). Per ACMG guidelines for the Interpretation of Sequence Variants, If the CI includes 1.0, there is little confidence in the assertion of association (Richards_2015). Ten clinical diagnostic laboratories have submitted clinical-significance assessments for this variant to ClinVar after 2014 without evidence for independent evaluation. Multiple laboratories reported the variant with conflicting assessments. Based on the evidence outlined above, the variant in isolation was classified as likely benign.

Laboratoire de Génétique Moléculaire, CHU Bordeaux
Classification: Pathogenic for Oculocutaneous albinism type 1A. Last evaluated: 2023-01-27. Review status: criteria provided, single submitter. Criteria: ACMG Guidelines, 2015. Collection method: clinical testing. Allele origin: germline. Affected: yes.

Genome-Nilou Lab
Classification: Uncertain significance for Oculocutaneous albinism type 1A. Last evaluated: 2021-07-22. Review status: criteria provided, single submitter. Criteria: ACMG Guidelines, 2015. Collection method: clinical testing. Allele origin: germline. Affected: no.

NM_000372.5(TYR):c.1205G>A (p.Arg402Gln)

Gene: TYR (tyrosinase; plus strand). Cytogenetic location: 11q14.3.
Variant type: single nucleotide variant.
Coding change: c.1205G>A on transcript NM_000372.5 (MANE Select); coding-DNA position 1205, G replaced by A.
Protein change: p.Arg402Gln; replaces arginine 402 with glutamine.
Molecular consequence: missense variant.
Genome position (GRCh38, 1-based): chr11:89,284,793, G>A. VCF-style: chr11-89284793-G-A. GRCh37 (hg19) VCF-style: chr11-89017961-G-A.
Other names: TYR, ARG402GLN (rs1126809); short protein forms R402Q.
Identifiers: ClinVar variation 3779 (VCV000003779.72), dbSNP rs1126809, ClinGen allele CA116438.